The following is an entry in ClinVar:

NM_198253.3(TERT):c.607T>G (p.Trp203Gly)

Gene: TERT (telomerase reverse transcriptase; minus strand). Cytogenetic location: 5p15.33.
Variant type: single nucleotide variant.
Coding change: c.607T>G on transcript NM_198253.3 (MANE Select); coding-DNA position 607, T replaced by G.
Protein change: p.Trp203Gly; replaces tryptophan 203 with glycine.
Molecular consequence: missense variant. On other transcripts: non-coding transcript variant (2).
Genome position (GRCh38, 1-based): chr5:1,294,279, A>C on the plus strand (T>G on the coding strand, the complement: TERT is on the minus strand). VCF-style: chr5-1294279-A-C. GRCh37 (hg19) VCF-style: chr5-1294394-A-C.
Other names: c.607T>G, p.Trp203Gly (NM_001193376.3, NM_003219.1); short protein forms W203G.
Identifiers: ClinVar variation 1929341 (VCV001929341.6), dbSNP rs2478423693, ClinGen allele CA359057198.

ClinVar aggregate classification (germline): Uncertain significance. Review status: criteria provided, multiple submitters, no conflicts (2 of 4 stars). 2 submissions from 2 submitters: Uncertain significance (2). Last evaluated 2025-10-03.

Conditions:
Idiopathic Pulmonary Fibrosis. Also called: Idiopathic fibrosing alveolitis, chronic form; idiopathic fibrosing alveolitis. Identifiers: Orphanet 2032, MedGen C1800706, MeSH D054990, MONDO:0800504.
Dyskeratosis congenita, autosomal dominant 2. Identifiers: MedGen C3151443, MONDO:0013521, OMIM 613989.
Dyskeratosis congenita. Identifiers: Orphanet 1775, MedGen C0265965, MONDO:0015780.

Submissions (2):

Ambry Genetics
Classification: Uncertain significance for Dyskeratosis congenita. Last evaluated: 2025-10-03. Review status: criteria provided, single submitter. Criteria: Ambry Variant Classification Scheme 2023. Collection method: clinical testing. Allele origin: germline.
Comment: The p.W203G variant (also known as c.607T>G), located in coding exon 2 of the TERT gene, results from a T to G substitution at nucleotide position 607. The tryptophan at codon 203 is replaced by glycine, an amino acid with highly dissimilar properties. This amino acid position is conserved. In addition, the in silico prediction for this alteration is inconclusive. Based on the available evidence, the clinical significance of this variant remains unclear.

Labcorp Genetics (formerly Invitae), Labcorp
Classification: Uncertain significance for Dyskeratosis congenita, autosomal dominant 2; Idiopathic Pulmonary Fibrosis. Last evaluated: 2022-06-14. Review status: criteria provided, single submitter. Criteria: Invitae Variant Classification Sherloc (09022015). Collection method: clinical testing. Allele origin: germline.
Comment: This sequence change replaces tryptophan, which is neutral and slightly polar, with glycine, which is neutral and non-polar, at codon 203 of the TERT protein (p.Trp203Gly). This variant is not present in population databases (gnomAD no frequency). This variant has not been reported in the literature in individuals affected with TERT-related conditions. Advanced modeling of protein sequence and biophysical properties (such as structural, functional, and spatial information, amino acid conservation, physicochemical variation, residue mobility, and thermodynamic stability) performed at Invitae indicates that this missense variant is not expected to disrupt TERT protein function. In summary, the available evidence is currently insufficient to determine the role of this variant in disease. Therefore, it has been classified as a Variant of Uncertain Significance.